The following is an entry in ClinVar:

ClinVar aggregate classification (germline): Pathogenic (1 of 4 stars; one submission).

Conditions:
Nemaline myopathy 2 (NEM2). Also called: Nemaline myopathy 2, autosomal recessive. Identifiers: MedGen C1850569, MONDO:0009725, OMIM 256030.

Submission:

Labcorp Genetics (formerly Invitae), Labcorp
Classification: Pathogenic for Nemaline myopathy 2. Last evaluated: 2025-07-03. Review status: criteria provided, single submitter. Criteria: Invitae Variant Classification Sherloc (09022015). Collection method: clinical testing. Allele origin: germline.
Comment: This sequence change creates a premature translational stop signal (p.Asp5728Valfs*10) in the NEB gene. It is expected to result in an absent or disrupted protein product. Loss-of-function variants in NEB are known to be pathogenic (PMID: 25205138). This variant is not present in population databases (gnomAD no frequency). This variant has not been reported in the literature in individuals affected with NEB-related conditions. For these reasons, this variant has been classified as Pathogenic.

Literature cited by the submitters: PubMed 25205138.

NM_001164508.2(NEB):c.17183del (p.Asp5728fs)

Gene: NEB (nebulin; minus strand). Cytogenetic location: 2q23.3.
Variant type: Deletion.
Coding change: c.17183del on transcript NM_001164508.2 (MANE Select); coding-DNA position 17183, one base deleted (A; older notation c.17183delA).
Protein change: p.Asp5728fs; shifts the reading frame from aspartic acid 5728.
Molecular consequence: frameshift variant.
Genome position (GRCh38, 1-based): chr2:151,570,328, T deleted on the plus strand (A on the coding strand, the reverse complement: NEB is on the minus strand). VCF-style (leftmost placement, unchanged base first): chr2-151570327-AT-A. GRCh37 (hg19) VCF-style: chr2-152426841-AT-A.
Other names: c.17183del, p.Asp5728fs (NM_001164507.2, NM_001271208.2); c.12080del, p.Asp4027fs (NM_004543.5); short protein forms D5728fs, D4027fs.
Identifiers: ClinVar variation 4722611 (VCV004722611.1).